The following is an entry in ClinVar:

ClinVar aggregate classification (germline): Uncertain significance (1 of 4 stars; one submission).

Conditions:
Severe combined immunodeficiency due to IKK2 deficiency. Also called: IMMUNODEFICIENCY 15B; Immunodeficiency 15. Identifiers: Orphanet 397787, MedGen C4747743, MONDO:0014267, OMIM 615592.

gnomAD v4.1: 4 of 1,614,218 alleles (0.00025%); highest among the groups gnomAD compares: Non-Finnish European, 0.00034%; no homozygotes.

Submission:

Labcorp Genetics (formerly Invitae), Labcorp
Classification: Uncertain significance for Severe combined immunodeficiency due to IKK2 deficiency. Last evaluated: 2025-06-16. Review status: criteria provided, single submitter. Criteria: Invitae Variant Classification Sherloc (09022015). Collection method: clinical testing. Allele origin: germline.
Comment: This sequence change replaces glutamic acid, which is acidic and polar, with aspartic acid, which is acidic and polar, at codon 745 of the IKBKB protein (p.Glu745Asp). This variant is present in population databases (rs774504811, gnomAD 0.0009%). This variant has not been reported in the literature in individuals affected with IKBKB-related conditions. ClinVar contains an entry for this variant (Variation ID: 3685664). Invitae Evidence Modeling of protein sequence and biophysical properties (such as structural, functional, and spatial information, amino acid conservation, physicochemical variation, residue mobility, and thermodynamic stability) indicates that this missense variant is not expected to disrupt IKBKB protein function with a negative predictive value of 95%. In summary, the available evidence is currently insufficient to determine the role of this variant in disease. Therefore, it has been classified as a Variant of Uncertain Significance.

NM_001556.3(IKBKB):c.2235A>C (p.Glu745Asp)

Gene: IKBKB (inhibitor of nuclear factor kappa B kinase subunit beta; plus strand). Cytogenetic location: 8p11.21.
Variant type: single nucleotide variant.
Coding change: c.2235A>C on transcript NM_001556.3 (MANE Select); coding-DNA position 2235, A replaced by C.
Protein change: p.Glu745Asp; replaces glutamic acid 745 with aspartic acid.
Molecular consequence: missense variant. On other transcripts: non-coding transcript variant (3).
Genome position (GRCh38, 1-based): chr8:42,330,943, A>C. VCF-style: chr8-42330943-A-C. GRCh37 (hg19) VCF-style: chr8-42188461-A-C.
Other names: c.2043A>C, p.Glu681Asp (NM_001190720.3); c.2058A>C, p.Glu686Asp (NM_001242778.2); short protein forms E745D, E681D, E686D.
Identifiers: ClinVar variation 3685664 (VCV003685664.2).
Genomic context (GRCh38, chr8:42,330,943, plus strand): 5'-TTGTTTTTTTAACATGTCTGTTGACTTTCAGGCCCTAGACTGGAGCTGGTTACAGACGGA[A>C]GAAGAAGAGCACAGCTGCCTGGAGCAGGCCTCATGATGTGGGGGGACTCGACCCCCTGAC-3'
Protein context (NP_001547.1, residues 735-755): TALDWSWLQT[Glu745Asp]EEEHSCLEQA